The following is an entry in ClinVar:

ClinVar aggregate classification (germline): Likely pathogenic (1 of 4 stars; one submission).

Conditions:
Cataract 38. Also called: Cataract, autosomal recessive congenital 5; Cataract 38, autosomal recessive. Identifiers: Orphanet 91492, MedGen C3553494, MONDO:0013859, OMIM 614691.
Sengers syndrome. Also called: MITOCHONDRIAL DNA DEPLETION SYNDROME 10 (CARDIOMYOPATHIC TYPE); Cardiomyopathy and cataract. Identifiers: Orphanet 1369, MedGen C1859317, MONDO:0008922, OMIM 212350.

Submission:

Labcorp Genetics (formerly Invitae), Labcorp
Classification: Likely pathogenic for Sengers syndrome; Cataract 38. Last evaluated: 2024-06-12. Review status: criteria provided, single submitter. Criteria: Invitae Variant Classification Sherloc (09022015). Collection method: clinical testing. Allele origin: germline.
Comment: This sequence change affects an acceptor splice site in intron 13 of the AGK gene. It is expected to disrupt RNA splicing. Variants that disrupt the donor or acceptor splice site typically lead to a loss of protein function (PMID: 16199547), and loss-of-function variants in AGK are known to be pathogenic (PMID: 22284826). This variant is not present in population databases (gnomAD no frequency). This variant has not been reported in the literature in individuals affected with AGK-related conditions. Algorithms developed to predict the effect of sequence changes on RNA splicing suggest that this variant may disrupt the consensus splice site. In summary, the currently available evidence indicates that the variant is pathogenic, but additional data are needed to prove that conclusively. Therefore, this variant has been classified as Likely Pathogenic.

Literature cited by the submitters: PubMed 16199547; PubMed 22284826.

NM_018238.4(AGK):c.976-1G>C

Gene: AGK (acylglycerol kinase; plus strand). Cytogenetic location: 7q34.
Variant type: single nucleotide variant.
Coding change: c.976-1G>C on transcript NM_018238.4 (MANE Select); the canonical splice acceptor site of the intron before coding-DNA position 976, G replaced by C.
Molecular consequence: splice acceptor variant.
Genome position (GRCh38, 1-based): chr7:141,649,262, G>C. VCF-style: chr7-141649262-G-C. GRCh37 (hg19) VCF-style: chr7-141349062-G-C.
Other names: c.976-1G>C (NM_001364948.3).
Identifiers: ClinVar variation 3756798 (VCV003756798.2).